The following is an entry in ClinVar:

ClinVar aggregate classification (germline): Conflicting classifications of pathogenicity. Review status: criteria provided, conflicting classifications (1 of 4 stars). 13 submissions from 13 submitters: Uncertain significance (1); Likely benign (10). 2 of the submissions do not count toward it. Last evaluated 2026-09-01.

Conditions:
Inborn genetic diseases. Identifiers: MedGen C0950123, MeSH D030342.
FGD4-related disorder. Also called: FGD4-related condition.
Charcot-Marie-Tooth disease type 4. Also called: Charcot-Marie-Tooth, Type 4; Charcot-Marie-Tooth disease, type IV. Identifiers: Orphanet 64749, MedGen C4082197, MONDO:0018995.
Charcot-Marie-Tooth disease type 4H (CMT4H). Also called: CHARCOT-MARIE-TOOTH DISEASE, AUTOSOMAL RECESSIVE, TYPE 4H; CHARCOT-MARIE-TOOTH DISEASE, DEMYELINATING, AUTOSOMAL RECESSIVE, TYPE 4H; CHARCOT-MARIE-TOOTH NEUROPATHY, TYPE 4H; CHARCOT-MARIE-TOOTH DISEASE, DEMYELINATING, TYPE 4H. Identifiers: Orphanet 99954, MedGen C1836336, MONDO:0012250, OMIM 609311.
Charcot-Marie-Tooth disease. Also called: Charcot-Marie-Tooth Neuropathy; Charcot-Marie-Tooth Hereditary Neuropathy. Identifiers: Orphanet 166, MedGen C0007959, MONDO:0015626.

Allele frequency attached by ClinVar (database versions not stated): 1000 Genomes Project 30x 0.00016; 1000 Genomes Project 0.00020; ExAC 0.00122; gnomAD exomes 0.00130; ESP Exome Variant Server 0.00138; TOPMed 0.00142; gnomAD 0.00152 and 0.00161.
gnomAD v4.1: 3,206 of 1,614,226 alleles (0.2%); highest among the groups gnomAD compares: Non-Finnish European, 0.26%; 4 homozygotes.

Submissions (13):

CeGaT Center for Human Genetics Tuebingen
Classification: Likely benign. Last evaluated: 2026-09-01. Review status: criteria provided, single submitter. Criteria: CeGaT Center For Human Genetics Tuebingen Variant Classification Criteria Version 2. Collection method: clinical testing. Allele origin: germline. Affected: yes. Observed: 12 variant alleles.
Comment: FGD4: BP4, BP7

Labcorp Genetics (formerly Invitae), Labcorp
Classification: Likely benign for Charcot-Marie-Tooth disease type 4. Last evaluated: 2025-12-15. Review status: criteria provided, single submitter. Criteria: Invitae Variant Classification Sherloc (09022015). Collection method: clinical testing. Allele origin: germline.

Mayo Clinic Laboratories, Mayo Clinic
Classification: Likely benign. Last evaluated: 2025-07-08. Review status: criteria provided, single submitter. Criteria: ACMG Guidelines, 2015. Collection method: clinical testing. Allele origin: germline. Observed: 9 variant alleles.
Comment: BS1, BP4, BP7

PreventionGenetics, part of Exact Sciences
Classification: Likely benign for FGD4-related condition. Last evaluated: 2025-03-21. Review status: criteria provided, single submitter. Criteria: ACMG Guidelines, 2015. Collection method: clinical testing. Allele origin: germline.
Comment: This variant is classified as likely benign based on ACMG/AMP sequence variant interpretation guidelines (Richards et al. 2015 PMID: 25741868, with internal and published modifications).

Blueprint Genetics
Classification: Likely benign. Last evaluated: 2024-09-22. Review status: criteria provided, single submitter. Criteria: ACMG Guidelines, 2015. Collection method: clinical testing. Allele origin: germline.

ARUP Laboratories, Molecular Genetics and Genomics, ARUP Laboratories
Classification: Likely benign for Charcot-Marie-Tooth disease type 4H. Last evaluated: 2023-11-09. Review status: criteria provided, single submitter. Criteria: ARUP Molecular Germline Variant Investigation Process 2024. Collection method: clinical testing. Allele origin: germline.

GeneDx
Classification: Likely benign. Last evaluated: 2020-12-14. Review status: criteria provided, single submitter. Criteria: GeneDx Variant Classification Process June 2021. Collection method: clinical testing. Allele origin: germline. Affected: yes.

Ambry Genetics
Classification: Likely benign for Inborn genetic diseases. Last evaluated: 2019-07-11. Review status: criteria provided, single submitter. Criteria: Ambry Variant Classification Scheme 2023. Collection method: clinical testing. Allele origin: germline.

Illumina Laboratory Services, Illumina
Classification: Uncertain significance for Charcot-Marie-Tooth disease type 4H. Last evaluated: 2018-01-12. Review status: criteria provided, single submitter. Criteria: ICSL Variant Classification Criteria 13 December 2019. Collection method: clinical testing. Allele origin: germline.

Eurofins Ntd Llc (ga)
Classification: Likely benign. Last evaluated: 2015-12-23. Review status: criteria provided, single submitter. Criteria: EGL Classification Definitions 2015. Collection method: clinical testing. Allele origin: germline. Observed: 1 variant allele, 1 heterozygote.

Molecular Genetics Laboratory, London Health Sciences Centre
Classification: Likely benign for Charcot-Marie-Tooth disease. Review status: criteria provided, single submitter. Criteria: ACMG Guidelines, 2015. Collection method: clinical testing. Allele origin: germline. Affected: yes.

Clinical Genetics, Academic Medical Center
Classification: Benign. Review status: no assertion criteria provided. Collection method: clinical testing. Allele origin: germline. Affected: yes. Study: VKGL Data-share Consensus. Not counted in ClinVar's aggregate classification.

Genome Diagnostics Laboratory, University Medical Center Utrecht
Classification: Likely benign. Review status: no assertion criteria provided. Collection method: clinical testing. Allele origin: germline. Affected: yes. Study: VKGL Data-share Consensus. Not counted in ClinVar's aggregate classification.

NM_001370298.3(FGD4):c.666A>T (p.Ala222=)

Gene: FGD4 (FYVE, RhoGEF and PH domain containing 4; plus strand). Cytogenetic location: 12p11.21.
Variant type: single nucleotide variant.
Coding change: c.666A>T on transcript NM_001370298.3 (MANE Select); coding-DNA position 666, A replaced by T.
Protein change: p.Ala222=; no amino-acid change (alanine 222 retained).
Molecular consequence: synonymous variant. On other transcripts: 5 prime UTR variant (5), non-coding transcript variant (1), intron variant (1).
Genome position (GRCh38, 1-based): chr12:32,582,122, A>T. VCF-style: chr12-32582122-A-T. GRCh37 (hg19) VCF-style: chr12-32735056-A-T.
Other names: p.Ala85=; c.510A>T, p.Ala170= (NM_001304481.2); c.-590A>T (NM_001304483.2); c.-897A>T (NM_001304484.2); c.-25A>T (NM_001330373.2, NM_001330374.2, NM_001384130.1); c.666A>T, p.Ala222= (NM_001384126.1); c.255A>T, p.Ala85= (NM_001384127.1, NM_001384128.1, NM_001384131.1 and 3 more transcripts); c.49-16375A>T (NM_001370297.1).
Identifiers: ClinVar variation 215968 (VCV000215968.70), dbSNP rs139357821, ClinGen allele CA338843.